The following is an entry in ClinVar:

ClinVar aggregate classification (germline): Benign. Review status: criteria provided, multiple submitters, no conflicts (2 of 4 stars). 2 submissions from 2 submitters: Benign (2). Last evaluated 2025-04-09.

Allele frequency attached by ClinVar (database versions not stated): TOPMed 0.00040; gnomAD 0.00056; 1000 Genomes Project 0.00180; 1000 Genomes Project 30x 0.00219.

Submissions (2):

Molecular Diagnostic Laboratory for Inherited Cardiovascular Disease, Montreal Heart Institute
Classification: Benign. Last evaluated: 2025-04-09. Review status: criteria provided, single submitter. Criteria: ACMG Guidelines, 2015. Collection method: clinical testing. Allele origin: germline. Affected: no.

CeGaT Center for Human Genetics Tuebingen
Classification: Benign. Last evaluated: 2023-03-01. Review status: criteria provided, single submitter. Criteria: CeGaT Center For Human Genetics Tuebingen Variant Classification Criteria Version 2. Collection method: clinical testing. Allele origin: germline. Affected: yes. Observed: 3 variant alleles.
Comment: SKI: BS1, BS2

NM_003036.4(SKI):c.969+18173C>T

Gene: SKI (SKI proto-oncogene; plus strand). Cytogenetic location: 1p36.33.
Variant type: single nucleotide variant.
Coding change: c.969+18173C>T on transcript NM_003036.4 (MANE Select); 18173 bases into the intron after coding-DNA position 969, C replaced by T.
Molecular consequence: intron variant.
Genome position (GRCh38, 1-based): chr1:2,247,908, C>T. VCF-style: chr1-2247908-C-T. GRCh37 (hg19) VCF-style: chr1-2179347-C-T.
Identifiers: ClinVar variation 1879072 (VCV001879072.30), dbSNP rs572572884, ClinGen allele CA16893289.